The following is an entry in ClinVar:

NM_138386.3(NAF1):c.304G>T (p.Ala102Ser)

Gene: NAF1 (nuclear assembly factor 1 ribonucleoprotein; minus strand). Cytogenetic location: 4q32.2.
Variant type: single nucleotide variant.
Coding change: c.304G>T on transcript NM_138386.3 (MANE Select); coding-DNA position 304, G replaced by T.
Protein change: p.Ala102Ser; replaces alanine 102 with serine.
Molecular consequence: missense variant.
Genome position (GRCh38, 1-based): chr4:163,166,424, C>A on the plus strand (G>T on the coding strand, the complement: NAF1 is on the minus strand). VCF-style: chr4-163166424-C-A. GRCh37 (hg19) VCF-style: chr4-164087576-C-A.
Other names: c.304G>T (NM_138386.2); c.304G>T, p.Ala102Ser (NM_001128931.2); short protein forms A102S.
Identifiers: ClinVar variation 1984876 (VCV001984876.5), dbSNP rs200055496, ClinGen allele CA3126422.

ClinVar aggregate classification (germline): Uncertain significance. Review status: criteria provided, multiple submitters, no conflicts (2 of 4 stars). 2 submissions from 2 submitters: Uncertain significance (2). Last evaluated 2025-08-22.

Allele frequency attached by ClinVar (database versions not stated): 1000 Genomes Project 30x 0.00016; 1000 Genomes Project 0.00020.
gnomAD v4.1: 4 of 1,607,450 alleles (0.00025%); highest among the groups gnomAD compares: Admixed American, 0.0067%; no homozygotes.

Submissions (2):

Ambry Genetics
Classification: Uncertain significance. Last evaluated: 2025-08-22. Review status: criteria provided, single submitter. Criteria: Ambry Variant Classification Scheme 2023. Collection method: clinical testing. Allele origin: germline.

Labcorp Genetics (formerly Invitae), Labcorp
Classification: Uncertain significance. Last evaluated: 2022-09-05. Review status: criteria provided, single submitter. Criteria: Invitae Variant Classification Sherloc (09022015). Collection method: clinical testing. Allele origin: germline.
Comment: This variant has not been reported in the literature in individuals affected with NAF1-related conditions. This variant is present in population databases (rs200055496, gnomAD 0.003%). This sequence change replaces alanine, which is neutral and non-polar, with serine, which is neutral and polar, at codon 102 of the NAF1 protein (p.Ala102Ser). Algorithms developed to predict the effect of missense changes on protein structure and function (SIFT, PolyPhen-2, Align-GVGD) all suggest that this variant is likely to be tolerated. In summary, the available evidence is currently insufficient to determine the role of this variant in disease. Therefore, it has been classified as a Variant of Uncertain Significance.